The following is an entry in ClinVar:

ClinVar aggregate classification (germline): Uncertain significance. Review status: criteria provided, multiple submitters, no conflicts (2 of 4 stars). 2 submissions from 2 submitters: Uncertain significance (2). Last evaluated 2024-11-14.

Allele frequency attached by ClinVar (database versions not stated): gnomAD exomes below 0.00001; gnomAD 0.00003; TOPMed 0.00007.
gnomAD v4.1: 6 of 1,613,676 alleles (0.00037%); highest among the groups gnomAD compares: Admixed American, 0.0083%; no homozygotes.

Submissions (2):

Ambry Genetics
Classification: Uncertain significance. Last evaluated: 2024-11-14. Review status: criteria provided, single submitter. Criteria: Ambry Variant Classification Scheme 2023. Collection method: clinical testing. Allele origin: germline.

Labcorp Genetics (formerly Invitae), Labcorp
Classification: Uncertain significance. Last evaluated: 2022-06-20. Review status: criteria provided, single submitter. Criteria: Invitae Variant Classification Sherloc (09022015). Collection method: clinical testing. Allele origin: germline.
Comment: This sequence change replaces valine, which is neutral and non-polar, with alanine, which is neutral and non-polar, at codon 18 of the C8A protein (p.Val18Ala). This variant is not present in population databases (gnomAD no frequency). This variant has not been reported in the literature in individuals affected with C8A-related conditions. Algorithms developed to predict the effect of missense changes on protein structure and function output the following: SIFT: "Tolerated"; PolyPhen-2: "Benign"; Align-GVGD: "Class C0". The alanine amino acid residue is found in multiple mammalian species, which suggests that this missense change does not adversely affect protein function. In summary, the available evidence is currently insufficient to determine the role of this variant in disease. Therefore, it has been classified as a Variant of Uncertain Significance.

NM_000562.3(C8A):c.53T>C (p.Val18Ala)

Gene: C8A (complement C8 alpha chain; plus strand). Cytogenetic location: 1p32.2.
Variant type: single nucleotide variant.
Coding change: c.53T>C on transcript NM_000562.3 (MANE Select); coding-DNA position 53, T replaced by C.
Protein change: p.Val18Ala; replaces valine 18 with alanine.
Molecular consequence: missense variant.
Genome position (GRCh38, 1-based): chr1:56,854,954, T>C. VCF-style: chr1-56854954-T-C. GRCh37 (hg19) VCF-style: chr1-57320627-T-C.
Other names: c.53T>C (NM_000562.2); short protein forms V18A.
Identifiers: ClinVar variation 1388464 (VCV001388464.7), dbSNP rs1487247262, ClinGen allele CA340509762.